The following is an entry in ClinVar:

NM_000053.4(ATP7B):c.3696_3697insTTAA (p.Gln1233fs)

Gene: ATP7B (ATPase copper transporting beta; minus strand). Cytogenetic location: 13q14.3.
Variant type: Insertion.
Coding change: c.3696_3697insTTAA on transcript NM_000053.4 (MANE Select); coding-DNA positions 3696 to 3697, TTAA inserted.
Protein change: p.Gln1233fs; shifts the reading frame from glutamine 1233.
Molecular consequence: frameshift variant.
Genome position: GRCh38 VCF-style: chr13-51939053-G-GTTAA. GRCh37 (hg19) VCF-style: chr13-52513189-G-GTTAA.
Other names: c.3642_3643insTTAA, p.Gln1215fs (NM_001406516.1, NM_001406515.1); c.3600_3601insTTAA, p.Gln1201fs (NM_001406517.1, NM_001406518.1); c.3561_3562insTTAA, p.Gln1188fs (NM_001406519.1); c.3552_3553insTTAA, p.Gln1185fs (NM_001406520.1, NM_001406521.1, NM_001406522.1); c.3210_3211insTTAA, p.Gln1071fs (NM_001406542.1, NM_001406541.1); c.3204_3205insTTAA, p.Gln1069fs (NM_001406543.1); c.3114_3115insTTAA, p.Gln1039fs (NM_001406544.1); c.3048_3049insTTAA, p.Gln1017fs (NM_001406545.1); and 20 more; short protein forms Q1006fs, Q1017fs, Q1026fs, Q1039fs, Q1069fs, Q1071fs, Q1084fs, Q1090fs.
Identifiers: ClinVar variation 3387392 (VCV003387392.1).
Genomic context (GRCh38, chr13:51,939,053, plus strand): 5'-TTTTGTCTCTAACTGCTTTTATGAGCTTTACACAGTTTGCAACATTAAAGGGCTGTACCT[G>GTTAA]GGTGGCAATAGCTCTGGCTGTCTTCCGGTTGTCCCCCGTGATCAGAACCACGTCCACACC-3'

ClinVar aggregate classification (germline): Pathogenic (1 of 4 stars; one submission).

Conditions:
Wilson disease (WND). Also called: Wilson's disease. Identifiers: Orphanet 905, MedGen C0019202, MONDO:0010200, OMIM 277900. Disease mechanism: loss of function.

Submission:

All of Us Research Program, National Institutes of Health
Classification: Pathogenic for Wilson disease. Last evaluated: 2024-10-02. Review status: criteria provided, single submitter. Criteria: ACMG Guidelines, 2015. Collection method: clinical testing. Allele origin: germline. Inheritance: Autosomal recessive inheritance. Observed: 1 variant allele, 1 heterozygote.
Comment: This variant inserts 4 nucleotides in exon 17 of the ATP7B gene, creating a frameshift and premature translation stop signal. This variant is expected to result in an absent or non-functional protein product. To our knowledge, this variant has not been reported in individuals affected with Wilson disease in the literature. This variant has not been identified in the general population by the Genome Aggregation Database (gnomAD). Loss of ATP7B function is a known mechanism of disease. Based on the available evidence, this variant is classified as Pathogenic.

This study involves interpretation of variants in research participants for the purpose of population health screening. Participant phenotype was not available at the time of variant classification. Additional details can be found in publication PMID: 35346344, PMCID: PMC8962531